The following is an entry in ClinVar:

ClinVar aggregate classification (germline): Uncertain significance (1 of 4 stars; one submission).

Conditions:
DICER1-related tumor predisposition. Also called: DICER1 syndrome; DICER1-related pleuropulmonary blastoma cancer predisposition syndrome. Identifiers: Orphanet 284343, MedGen C3839822, MONDO:0100216.

Submission:

Labcorp Genetics (formerly Invitae), Labcorp
Classification: Uncertain significance for DICER1-related tumor predisposition. Last evaluated: 2025-04-16. Review status: criteria provided, single submitter. Criteria: Invitae Variant Classification Sherloc (09022015). Collection method: clinical testing. Allele origin: germline.
Comment: This sequence change falls in intron 23 of the DICER1 gene. It does not directly change the encoded amino acid sequence of the DICER1 protein. RNA analysis indicates that this variant induces altered splicing and may result in an absent or altered protein product. This variant is not present in population databases (gnomAD no frequency). This variant has been observed in individual(s) with clinical features of DICER1 syndrome (internal data). ClinVar contains an entry for this variant (Variation ID: 1060797). Studies have shown that this variant results in intron 23 retention, and produces a non-functional protein and/or introduces a premature termination codon (internal data). In summary, the available evidence is currently insufficient to determine the role of this variant in disease. Therefore, it has been classified as a Variant of Uncertain Significance.

NM_177438.3(DICER1):c.5096-9T>G

Gene: DICER1 (dicer 1, ribonuclease III; minus strand). Cytogenetic location: 14q32.13.
Variant type: single nucleotide variant.
Coding change: c.5096-9T>G on transcript NM_177438.3 (MANE Select); 9 bases into the intron before coding-DNA position 5096, T replaced by G.
Molecular consequence: intron variant.
Genome position (GRCh38, 1-based): chr14:95,094,165, A>C on the plus strand (T>G on the coding strand, the complement: DICER1 is on the minus strand). VCF-style: chr14-95094165-A-C. GRCh37 (hg19) VCF-style: chr14-95560502-A-C.
Other names: c.5096-9T>G (NM_001291628.2, NM_030621.4, NM_001271282.3 and 1 more transcripts).
Identifiers: ClinVar variation 1060797 (VCV001060797.10), dbSNP rs2139816821, ClinGen allele CA2499222795.